The following is an entry in ClinVar:

ClinVar aggregate classification (germline): Uncertain significance (1 of 4 stars; one submission).

Conditions:
Long QT syndrome (LQTS). Identifiers: MedGen C0023976, MeSH D008133, MONDO:0002442. Disease mechanism: loss of function. Inheritance: Various modes of inheritance.

Allele frequency attached by ClinVar (database versions not stated): gnomAD exomes below 0.00001.
gnomAD v4.1: 1 of 1,613,460 alleles (0.000062%); highest among the groups gnomAD compares: Non-Finnish European, 0.000085%; no homozygotes.

Submission:

Labcorp Genetics (formerly Invitae), Labcorp
Classification: Uncertain significance for Long QT syndrome. Last evaluated: 2022-10-26. Review status: criteria provided, single submitter. Criteria: Invitae Variant Classification Sherloc (09022015). Collection method: clinical testing. Allele origin: germline.
Comment: In summary, the available evidence is currently insufficient to determine the role of this variant in disease. Therefore, it has been classified as a Variant of Uncertain Significance. This sequence change replaces glutamic acid, which is acidic and polar, with aspartic acid, which is acidic and polar, at codon 768 of the CACNA1C protein (p.Glu768Asp). This variant is not present in population databases (gnomAD no frequency). This variant has not been reported in the literature in individuals affected with CACNA1C-related conditions. Advanced modeling of protein sequence and biophysical properties (such as structural, functional, and spatial information, amino acid conservation, physicochemical variation, residue mobility, and thermodynamic stability) performed at Invitae indicates that this missense variant is not expected to disrupt CACNA1C protein function.

NM_000719.7(CACNA1C):c.2304G>C (p.Glu768Asp)

Gene: CACNA1C (calcium voltage-gated channel subunit alpha1 C; plus strand). Cytogenetic location: 12p13.33.
Variant type: single nucleotide variant.
Coding change: c.2304G>C on transcript NM_000719.7 (MANE Select); coding-DNA position 2304, G replaced by C.
Protein change: p.Glu768Asp; replaces glutamic acid 768 with aspartic acid.
Molecular consequence: missense variant.
Genome position (GRCh38, 1-based): chr12:2,584,582, G>C. VCF-style: chr12-2584582-G-C. GRCh37 (hg19) VCF-style: chr12-2693748-G-C.
Other names: c.2304G>C, p.Glu768Asp (NM_001129830.3, NM_001129831.2, NM_001129827.2 and 18 more transcripts); c.2295G>C, p.Glu765Asp (NM_001129844.2); short protein forms E768D, E765D.
Identifiers: ClinVar variation 2168017 (VCV002168017.4), dbSNP rs2515285992, ClinGen allele CA383371508.